The following is an entry in ClinVar:

NM_015046.7(SETX):c.7715C>T (p.Thr2572Met)

Gene: SETX (senataxin; minus strand). Cytogenetic location: 9q34.13.
Variant type: single nucleotide variant.
Coding change: c.7715C>T on transcript NM_015046.7 (MANE Select); coding-DNA position 7715, C replaced by T.
Protein change: p.Thr2572Met; replaces threonine 2572 with methionine.
Molecular consequence: missense variant.
Genome position (GRCh38, 1-based): chr9:132,264,558, G>A on the plus strand (C>T on the coding strand, the complement: SETX is on the minus strand). VCF-style: chr9-132264558-G-A. GRCh37 (hg19) VCF-style: chr9-135139945-G-A.
Other names: c.7715C>T, p.Thr2572Met (NM_001351527.2); c.7802C>T, p.Thr2601Met (NM_001351528.2); short protein forms T2601M, T2572M.
Identifiers: ClinVar variation 968239 (VCV000968239.13), dbSNP rs773364996, ClinGen allele CA5296351.

ClinVar aggregate classification (germline): Conflicting classifications of pathogenicity. Review status: criteria provided, conflicting classifications (1 of 4 stars). 3 submissions from 3 submitters: Uncertain significance (2); Likely benign (1). Last evaluated 2025-12-14.

Conditions:
Amyotrophic lateral sclerosis type 4 (ALS4). Also called: NEURONOPATHY, DISTAL HEREDITARY MOTOR, WITH PYRAMIDAL FEATURES; AMYOTROPHIC LATERAL SCLEROSIS 4, JUVENILE. Identifiers: Orphanet 357043, MedGen C1865409, MONDO:0011223, OMIM 602433.
Spinocerebellar ataxia, autosomal recessive, with axonal neuropathy 2 (SCAN2). Also called: ATAXIA-OCULOMOTOR APRAXIA 2; Ataxia with Oculomotor Apraxia; Ataxia-ocular apraxia-2; Ataxia with Oculomotor Apraxia Type 2. Identifiers: Orphanet 64753, MedGen C1853761, MONDO:0018996, OMIM 606002.

Allele frequency attached by ClinVar (database versions not stated): TOPMed 0.00001; ExAC 0.00002; gnomAD exomes 0.00002; gnomAD 0.00003 and 0.00004.
gnomAD v4.1: 33 of 1,613,994 alleles (0.002%); highest among the groups gnomAD compares: African/African-American, 0.004%; no homozygotes.

Submissions (3):

Labcorp Genetics (formerly Invitae), Labcorp
Classification: Likely benign for Amyotrophic lateral sclerosis type 4; Spinocerebellar ataxia, autosomal recessive, with axonal neuropathy 2. Last evaluated: 2025-12-14. Review status: criteria provided, single submitter. Criteria: Invitae Variant Classification Sherloc (09022015). Collection method: clinical testing. Allele origin: germline.

Athena Diagnostics
Classification: Uncertain significance. Last evaluated: 2023-03-28. Review status: criteria provided, single submitter. Criteria: Athena Diagnostics Criteria. Collection method: clinical testing. Allele origin: unknown.
Comment: Available data are insufficient to determine the clinical significance of the variant at this time. The frequency of this variant in the general population is uninformative in assessment of its pathogenicity. Computational tools predict that this variant is not damaging.

Revvity Omics, Revvity
Classification: Uncertain significance. Last evaluated: 2023-03-07. Review status: criteria provided, single submitter. Criteria: ACMG Guidelines, 2015. Collection method: clinical testing. Allele origin: germline.